The following is an entry in ClinVar:

NM_001378328.1(CELSR1):c.3521C>A (p.Ala1174Glu)

Gene: CELSR1 (cadherin EGF LAG seven-pass G-type receptor 1; minus strand). Cytogenetic location: 22q13.31.
Variant type: single nucleotide variant.
Coding change: c.3521C>A on transcript NM_001378328.1 (MANE Select); coding-DNA position 3521, C replaced by A.
Protein change: p.Ala1174Glu; replaces alanine 1174 with glutamic acid.
Molecular consequence: missense variant.
Genome position (GRCh38, 1-based): chr22:46,533,650, G>T on the plus strand (C>A on the coding strand, the complement: CELSR1 is on the minus strand). VCF-style: chr22-46533650-G-T. GRCh37 (hg19) VCF-style: chr22-46929547-G-T.
Other names: c.3521C>A, p.Ala1174Glu (NM_014246.4); short protein forms A1174E.
Identifiers: ClinVar variation 2574192 (VCV002574192.1), dbSNP rs148606960, ClinGen allele CA411935618.
Genomic context (GRCh38, chr22:46,533,650, plus strand): 5'-ATCAGGAGCTACTCCTCCCACCCCGACGGCCACTCACCAGACACAGACACCTCCATGAGC[G>T]CCTCCAGCGGCCGGTTGTTGTCCAGGTCGCGGCTGAGCTGCAGTTCGCCCGTGGCGGGGT-3'
Protein context (NP_001365257.1, residues 1164-1184): RDLDNNRPLE[Ala1174Glu]LMEVSVSDGI

ClinVar aggregate classification (germline): Uncertain significance (1 of 4 stars; one submission).

Submission:

GeneDx
Classification: Uncertain significance. Last evaluated: 2023-01-31. Review status: criteria provided, single submitter. Criteria: GeneDx Variant Classification Process June 2021. Collection method: clinical testing. Allele origin: germline. Affected: yes.
Comment: Not observed at significant frequency in large population cohorts (gnomAD); In silico analysis supports that this missense variant has a deleterious effect on protein structure/function; Has not been previously published as pathogenic or benign to our knowledge